The following is an entry in ClinVar:

NM_000245.4(MET):c.1249C>T (p.Arg417Ter)

Gene: MET (MET proto-oncogene, receptor tyrosine kinase; plus strand). Cytogenetic location: 7q31.2.
Variant type: single nucleotide variant.
Coding change: c.1249C>T on transcript NM_000245.4 (MANE Select); coding-DNA position 1249, C replaced by T.
Protein change: p.Arg417Ter; replaces arginine 417 with a stop codon.
Molecular consequence: nonsense. On other transcripts: 5 prime UTR variant (1).
Genome position (GRCh38, 1-based): chr7:116,731,716, C>T. VCF-style: chr7-116731716-C-T. GRCh37 (hg19) VCF-style: chr7-116371770-C-T.
Other names: c.1249C>T, p.Arg417Ter (NM_001127500.3, NM_001324401.3); c.-42C>T (NM_001324402.2); short protein forms R417*.
Identifiers: ClinVar variation 2199541 (VCV002199541.5), dbSNP rs369705803, ClinGen allele CA368972771.
Genomic context (GRCh38, chr7:116,731,716, plus strand): 5'-ATTTTATTCCAGACACTTCTGAGAAATTCATCAGGCTGTGAAGCGCGCCGTGATGAATAT[C>T]GAACAGAGTTTACCACAGCTTTGCAGCGCGTTGACTTATTCATGGGTCAATTCAGCGAAG-3'

ClinVar aggregate classification (germline): Uncertain significance. Review status: criteria provided, multiple submitters, no conflicts (2 of 4 stars). 2 submissions from 2 submitters: Uncertain significance (2). Last evaluated 2025-05-03.

Conditions:
Renal cell carcinoma. Identifiers: Orphanet 217071, MedGen C0007134, MeSH D002292, MONDO:0005086, HP:0005584.
Hereditary cancer-predisposing syndrome. Also called: Tumor predisposition; Hereditary neoplastic syndrome; Neoplastic Syndromes, Hereditary; Hereditary Cancer Syndrome. Identifiers: Orphanet 140162, MedGen C0027672, MeSH D009386, MONDO:0015356.

Allele frequency attached by ClinVar (database versions not stated): gnomAD exomes below 0.00001; gnomAD 0.00001; TOPMed 0.00001.
gnomAD v4.1: 3 of 1,613,992 alleles (0.00019%); highest among the groups gnomAD compares: Non-Finnish European, 0.00025%; no homozygotes.

Submissions (2):

Ambry Genetics
Classification: Uncertain significance for Hereditary cancer-predisposing syndrome. Last evaluated: 2025-05-03. Review status: criteria provided, single submitter. Criteria: Ambry Variant Classification Scheme 2023. Collection method: clinical testing. Allele origin: germline.
Comment: The p.R417* variant (also known as c.1249C>T), located in coding exon 2 of the MET gene, results from a C to T substitution at nucleotide position 1249. This changes the amino acid from an arginine to a stop codon within coding exon 2. This alteration is expected to result in protein truncation or nonsense-mediated mRNA decay. However, loss of function of MET has not been established as a mechanism of disease.. Based on the available evidence, the clinical significance of this alteration remains unclear.

Labcorp Genetics (formerly Invitae), Labcorp
Classification: Uncertain significance for Renal cell carcinoma. Last evaluated: 2025-04-30. Review status: criteria provided, single submitter. Criteria: Invitae Variant Classification Sherloc (09022015). Collection method: clinical testing. Allele origin: germline.
Comment: This sequence change creates a premature translational stop signal (p.Arg417*) in the MET gene. It is expected to result in an absent or disrupted protein product. However, the current clinical and genetic evidence is not sufficient to establish whether loss-of-function variants in MET cause disease. This variant is not present in population databases (gnomAD no frequency). This premature translational stop signal has been observed in individual(s) with non-small cell lung cancer (PMID: 36113475). ClinVar contains an entry for this variant (Variation ID: 2199541). In summary, the available evidence is currently insufficient to determine the role of this variant in disease. Therefore, it has been classified as a Variant of Uncertain Significance.

Literature cited by the submitters: PubMed 36113475 (cited by Labcorp Genetics (formerly Invitae), Labcorp).